The following is an entry in ClinVar:

ClinVar aggregate classification (germline): Uncertain significance (1 of 4 stars; one submission).

Conditions:
Meckel-Gruber syndrome. Also called: Dysencephalia splachnocystica; DYSENCEPHALIA SPLANCHNOCYSTICA; GRUBER SYNDROME. Identifiers: Orphanet 564, MedGen C0265215, MONDO:0018921.
Joubert syndrome. Also called: CEREBELLOPARENCHYMAL DISORDER IV; JOUBERT-BOLTSHAUSER SYNDROME; Familial aplasia of the vermis. Identifiers: Orphanet 475, MedGen C5979921, MONDO:0018772.

Submission:

Labcorp Genetics (formerly Invitae), Labcorp
Classification: Uncertain significance for Joubert syndrome; Meckel-Gruber syndrome. Last evaluated: 2015-12-07. Review status: criteria provided, single submitter. Criteria: Invitae Variant Classification Sherloc (09022015). Collection method: clinical testing. Allele origin: germline.
Comment: In summary, this is a novel missense change with uncertain impact on protein function. It has been classified as a Variant of Uncertain Significance. Algorithms developed to predict the effect of missense changes on protein structure and function (SIFT, PolyPhen-2, Align-GVGD) all suggest that this variant is likely to be disruptive, but these predictions have not been confirmed by published functional studies. This variant is not present in population databases (ExAC no frequency) and has not been reported in the literature. This sequence change replaces glutamic acid with glutamine at codon 909 of the TMEM67 protein (p.Glu909Gln). The glutamic acid residue is highly conserved and there is a small physicochemical difference between glutamic acid and glutamine.

NM_153704.6(TMEM67):c.2725G>C (p.Glu909Gln)

Gene: TMEM67 (transmembrane protein 67; plus strand). Cytogenetic location: 8q22.1.
Variant type: single nucleotide variant.
Coding change: c.2725G>C on transcript NM_153704.6 (MANE Select); coding-DNA position 2725, G replaced by C.
Protein change: p.Glu909Gln; replaces glutamic acid 909 with glutamine.
Molecular consequence: missense variant. On other transcripts: non-coding transcript variant (1).
Genome position (GRCh38, 1-based): chr8:93,809,848, G>C. VCF-style: chr8-93809848-G-C. GRCh37 (hg19) VCF-style: chr8-94822076-G-C.
Other names: c.2482G>C, p.Glu828Gln (NM_001142301.1); short protein forms E828Q, E909Q.
Identifiers: ClinVar variation 241999 (VCV000241999.9), dbSNP rs878855230, ClinGen allele CA10582608.
Genomic context (GRCh38, chr8:93,809,848, plus strand): 5'-CATAAGGAAATGGATTACTTTATAAAAGATAAGTTGCTTCTTGAAAGAATTCTTGGAATG[G>C]AATTCATGGAACCAATGGAAAAAAGCATCTTTTACAATGGTATCTTCTAAATCCCTTTGT-3'
Protein context (NP_714915.3, residues 899-919): KLLLERILGM[Glu909Gln]FMEPMEKSIF